The following is an entry in ClinVar:

ClinVar aggregate classification (germline): Likely benign. Review status: criteria provided, multiple submitters, no conflicts (2 of 4 stars). 2 submissions from 2 submitters: Likely benign (2). Last evaluated 2025-10-13.

Conditions:
BMP7-related disorder. Also called: BMP7-related condition.

gnomAD v4.1: 100 of 1,614,068 alleles (0.0062%); highest among the groups gnomAD compares: African/African-American, 0.021%; no homozygotes.

Submissions (2):

PreventionGenetics, part of Exact Sciences
Classification: Likely benign for BMP7-related condition. Last evaluated: 2025-10-13. Review status: criteria provided, single submitter. Criteria: ACMG Guidelines, 2015. Collection method: clinical testing. Allele origin: germline.
Comment: This variant is classified as likely benign based on ACMG/AMP sequence variant interpretation guidelines (Richards et al. 2015 PMID: 25741868, with internal and published modifications).

Labcorp Genetics (formerly Invitae), Labcorp
Classification: Likely benign. Last evaluated: 2025-10-09. Review status: criteria provided, single submitter. Criteria: Invitae Variant Classification Sherloc (09022015). Collection method: clinical testing. Allele origin: germline.

NM_001719.3(BMP7):c.852G>A (p.Thr284=)

Gene: BMP7 (bone morphogenetic protein 7; minus strand). Cytogenetic location: 20q13.31.
Variant type: single nucleotide variant.
Coding change: c.852G>A on transcript NM_001719.3 (MANE Select); coding-DNA position 852, G replaced by A.
Protein change: p.Thr284=; no amino-acid change (threonine 284 retained).
Molecular consequence: synonymous variant.
Genome position (GRCh38, 1-based): chr20:57,183,828, C>T on the plus strand (G>A on the coding strand, the complement: BMP7 is on the minus strand). VCF-style: chr20-57183828-C-T. GRCh37 (hg19) VCF-style: chr20-55758884-C-T.
Other names: c.852G>A (NM_001719.2).
Identifiers: ClinVar variation 4751311 (VCV004751311.2).
Genomic context (GRCh38, chr20:57,183,828, plus strand): 5'-GGAGCGGTTCTGGCTGCGCTGTTTGCTCCCCGTGGACCGGATGCTGCGGAAGTGGACCTC[C>T]GTGGCCTTGAAGAAAGCCACCATGAAGGGCTGCTTGTTCTGGGGCCCGTGCCGCCCAATC-3'
Protein context (NP_001710.1, residues 274-294): QPFMVAFFKA[Thr284=]EVHFRSIRST